The following is an entry in ClinVar:

NM_002435.3(MPI):c.145-1G>A

Gene: MPI (mannose phosphate isomerase; plus strand). Cytogenetic location: 15q24.1.
Variant type: single nucleotide variant.
Coding change: c.145-1G>A on transcript NM_002435.3 (MANE Select); the canonical splice acceptor site of the intron before coding-DNA position 145, G replaced by A.
Molecular consequence: splice acceptor variant.
Genome position (GRCh38, 1-based): chr15:74,891,378, G>A. VCF-style: chr15-74891378-G-A. GRCh37 (hg19) VCF-style: chr15-75183719-G-A.
Other names: c.85-1G>A (NM_001330372.2); c.145-1G>A (NM_001289155.2, NM_001289157.2, NM_002435.2); c.-6-1G>A (NM_001289156.2).
Identifiers: ClinVar variation 370541 (VCV000370541.4), dbSNP rs1057516573, ClinGen allele CA16041746.

ClinVar aggregate classification (germline): Likely pathogenic. Review status: criteria provided, single submitter (1 of 4 stars). 2 submissions from 2 submitters: Likely pathogenic (1). 1 of the submissions does not count toward it. Last evaluated 2025-05-02.

Conditions:
MPI-congenital disorder of glycosylation. Also called: CONGENITAL DISORDER OF GLYCOSYLATION, TYPE Ib; MANNOSEPHOSPHATE ISOMERASE DEFICIENCY; MPI-CDG; PROTEIN-LOSING ENTEROPATHY-HEPATIC FIBROSIS SYNDROME; MPI DEFICIENCY; CDG Ib. Identifiers: Orphanet 79319, MedGen C1865145, MONDO:0011257, OMIM 602579.

Submissions (2):

Natera, Inc.
Classification: Likely pathogenic for Congenital disorder of glycosylation type 1b. Last evaluated: 2025-05-02. Review status: criteria provided, single submitter. Criteria: Natera Variant Classification Schema (03/2026). Collection method: clinical testing. Allele origin: germline.
Comment: The c.145-1G>A variant in MPI is a canonical splice acceptor site variant predicted to affect pre-mRNA splicing, which may result in an abnormal transcript and altered protein product. This variant is expected to result in nonsense mediated decay, truncation, or a dysfunctional protein product. This variant is rare in the general population with a frequency below the threshold expected for the associated phenotype(s). Given the available evidence, this variant is classified as Likely Pathogenic.

Counsyl
Classification: Likely pathogenic for MPI-congenital disorder of glycosylation. Last evaluated: 2016-02-25. Review status: no assertion criteria provided. Collection method: clinical testing. Allele origin: unknown. Not counted in ClinVar's aggregate classification.